The following is an entry in ClinVar:

NM_005634.3(SOX3):c.46G>A (p.Val16Ile)

Genes: SOX3 (SRY-box transcription factor 3; minus strand), LOC108281134 (SOX3 promoter region; plus strand). Cytogenetic location: Xq27.1.
Variant type: single nucleotide variant.
Coding change: c.46G>A on transcript NM_005634.3 (MANE Select); coding-DNA position 46, G replaced by A.
Protein change: p.Val16Ile; replaces valine 16 with isoleucine.
Molecular consequence: missense variant.
Genome position (GRCh38, 1-based): chrX:140,505,015, C>T on the plus strand (G>A on the coding strand, the complement: SOX3 is on the minus strand). VCF-style: chrX-140505015-C-T. GRCh37 (hg19) VCF-style: chrX-139587180-C-T.
Other names: short protein forms V16I.
Identifiers: ClinVar variation 3799995 (VCV003799995.9).

ClinVar aggregate classification (germline): Conflicting classifications of pathogenicity. Review status: criteria provided, conflicting classifications (1 of 4 stars). 2 submissions from 2 submitters: Uncertain significance (1); Likely benign (1). Last evaluated 2025-07-01.

Submissions (2):

CeGaT Center for Human Genetics Tuebingen
Classification: Likely benign. Last evaluated: 2025-07-01. Review status: criteria provided, single submitter. Criteria: CeGaT Center For Human Genetics Tuebingen Variant Classification Criteria Version 2. Collection method: clinical testing. Allele origin: germline. Affected: yes. Observed: 1 variant allele.
Comment: SOX3: BS2

Ambry Genetics
Classification: Uncertain significance. Last evaluated: 2025-01-18. Review status: criteria provided, single submitter. Criteria: Ambry Variant Classification Scheme 2023. Collection method: clinical testing. Allele origin: germline.